The following is an entry in ClinVar:

NM_016507.4(CDK12):c.3517A>G (p.Met1173Val)

Gene: CDK12 (cyclin dependent kinase 12; plus strand). Cytogenetic location: 17q12.
Variant type: single nucleotide variant.
Coding change: c.3517A>G on transcript NM_016507.4 (MANE Select); coding-DNA position 3517, A replaced by G.
Protein change: p.Met1173Val; replaces methionine 1173 with valine.
Molecular consequence: missense variant.
Genome position (GRCh38, 1-based): chr17:39,526,073, A>G. VCF-style: chr17-39526073-A-G. GRCh37 (hg19) VCF-style: chr17-37682326-A-G.
Other names: c.3517A>G, p.Met1173Val (NM_015083.4); short protein forms M1173V.
Identifiers: ClinVar variation 3999222 (VCV003999222.1).

ClinVar aggregate classification (germline): Uncertain significance (1 of 4 stars; one submission).

Submission:

Ambry Genetics
Classification: Uncertain significance. Last evaluated: 2025-03-15. Review status: criteria provided, single submitter. Criteria: Ambry Variant Classification Scheme 2023. Collection method: clinical testing. Allele origin: germline.
Comment: The p.M1173V variant (also known as c.3517A>G), located in coding exon 13 of the CDK12 gene, results from an A to G substitution at nucleotide position 3517. The methionine at codon 1173 is replaced by valine, an amino acid with highly similar properties. This amino acid position is conserved. In addition, this alteration is predicted to be tolerated by in silico analysis. Based on the available evidence, the clinical significance of this variant remains unclear.